The following is an entry in ClinVar:

ClinVar aggregate classification (germline): Uncertain significance (1 of 4 stars; one submission).

Conditions:
Diamond-Blackfan anemia. Also called: Blackfan Diamond syndrome; Aregenerative anemia chronic congenital; Red cell aplasia, pure hereditary; Congenital hypoplastic anemia; Aase syndrome. Identifiers: Orphanet 124, MedGen C1260899, MeSH D029503, MONDO:0015253, HP:0004810.

Submission:

Labcorp Genetics (formerly Invitae), Labcorp
Classification: Uncertain significance for Diamond-Blackfan anemia. Last evaluated: 2019-04-07. Review status: criteria provided, single submitter. Criteria: Invitae Variant Classification Sherloc (09022015). Collection method: clinical testing. Allele origin: germline.
Comment: This variant, c.294_314dup, results in the insertion of 7 amino acid(s) to the RPS10 protein (p.Glu100_Pro106dup), but otherwise preserves the integrity of the reading frame. This variant is not present in population databases (ExAC no frequency). This variant has not been reported in the literature in individuals with RPS10-related conditions. Experimental studies and prediction algorithms are not available for this variant, and the functional significance of the affected amino acid(s) is currently unknown. In summary, the available evidence is currently insufficient to determine the role of this variant in disease. Therefore, it has been classified as a Variant of Uncertain Significance.

NM_001014.5(RPS10):c.294_314dup (p.Pro106_Lys107insGluThrGlyArgProArgPro)

Genes: RPS10 (ribosomal protein S10; minus strand), RPS10-NUDT3 (RPS10-NUDT3 readthrough; minus strand). Cytogenetic location: 6p21.31.
Variant type: Duplication.
Coding change: c.294_314dup on transcript NM_001014.5 (MANE Select); coding-DNA positions 294 to 314, 21 bases duplicated (TCCAGAGACTGGCAGGCCTCG).
Protein change: p.Pro106_Lys107insGluThrGlyArgProArgPro.
Molecular consequence: inframe insertion.
Genome position (GRCh38, 1-based): chr6:34,424,677-34,424,697, CGAGGCCTGCCAGTCTCTGGA duplicated on the plus strand (TCCAGAGACTGGCAGGCCTCG on the coding strand, the reverse complement: RPS10 is on the minus strand); duplicating any 21 consecutive bases within chr6:34,424,677-34,424,699 gives the same sequence; the c. name uses the placement nearest the transcript's 3' end. VCF-style (leftmost placement, unchanged base first): chr6-34424676-C-CCGAGGCCTGCCAGTCTCTGGA. GRCh37 (hg19) VCF-style: chr6-34392453-C-CCGAGGCCTGCCAGTCTCTGGA.
Other names: c.294_314dup, p.Pro106_Lys107insGluThrGlyArgProArgPro (NM_001202470.3, NM_001203245.3, NM_001204091.2).
Identifiers: ClinVar variation 952913 (VCV000952913.10), dbSNP rs1765891593, ClinGen allele CA1139659491.